The following is an entry in ClinVar:

ClinVar aggregate classification (germline): Benign/Likely benign. Review status: criteria provided, multiple submitters, no conflicts (2 of 4 stars). 5 submissions from 5 submitters: Benign (3); Likely benign (2). Last evaluated 2026-02-01.

Allele frequency attached by ClinVar (database versions not stated): ExAC 0.00103; gnomAD 0.00304 and 0.00319; TOPMed 0.00328; 1000 Genomes Project 30x 0.00344; 1000 Genomes Project 0.00359; ESP Exome Variant Server 0.00369.
gnomAD v4.1: 920 of 1,613,980 alleles (0.057%); highest among the groups gnomAD compares: African/African-American, 1.1%; 14 homozygotes.

Submissions (5):

Labcorp Genetics (formerly Invitae), Labcorp
Classification: Benign. Last evaluated: 2026-02-01. Review status: criteria provided, single submitter. Criteria: Invitae Variant Classification Sherloc (09022015). Collection method: clinical testing. Allele origin: germline.

CeGaT Center for Human Genetics Tuebingen
Classification: Benign. Last evaluated: 2025-05-01. Review status: criteria provided, single submitter. Criteria: CeGaT Center For Human Genetics Tuebingen Variant Classification Criteria Version 2. Collection method: clinical testing. Allele origin: germline. Affected: yes. Observed: 1 variant allele.
Comment: TECTA: BP4, BP7, BS1, BS2

GeneDx
Classification: Likely benign. Last evaluated: 2020-09-30. Review status: criteria provided, single submitter. Criteria: GeneDx Variant Classification Process June 2021. Collection method: clinical testing. Allele origin: germline. Affected: yes.

Laboratory for Molecular Medicine, Mass General Brigham Personalized Medicine
Classification: Benign. Last evaluated: 2012-05-07. Review status: criteria provided, single submitter. Criteria: LMM Criteria. Collection method: clinical testing. Allele origin: germline. Observed: 4 variant alleles.
Comment: "Ile230Ile in Exon 05 of TECTA: This variant is not expected to have clinical si gnificance because it does not alter an amino acid residue, is not located withi n the splice consensus sequence, and has been identified in 1.1% (40/3738) of Af rican American chromosomes from a broad population by the NHLBI Exome Sequencing Project (dbSNP rs34605023)."

Breakthrough Genomics
Classification: Likely benign. Review status: criteria provided, single submitter. Criteria: ACMG Guidelines, 2015. Collection method: not provided. Allele origin: germline. Inheritance: Autosomal recessive inheritance. Affected: yes.

NM_005422.4(TECTA):c.690C>T (p.Ile230=)

Genes: TBCEL-TECTA (TBCEL-TECTA readthrough; plus strand), TECTA (tectorin alpha; plus strand). Cytogenetic location: 11q23.3.
Variant type: single nucleotide variant.
Coding change: c.690C>T on transcript NM_005422.4 (MANE Select); coding-DNA position 690, C replaced by T.
Protein change: p.Ile230=; no amino-acid change (isoleucine 230 retained).
Molecular consequence: synonymous variant.
Genome position (GRCh38, 1-based): chr11:121,113,618, C>T. VCF-style: chr11-121113618-C-T. GRCh37 (hg19) VCF-style: chr11-120984327-C-T.
Other names: c.1647C>T, p.Ile549= (NM_001378761.1).
Identifiers: ClinVar variation 165343 (VCV000165343.28), dbSNP rs34605023, ClinGen allele CA178083.